The following is an entry in ClinVar:

ClinVar aggregate classification (germline): Pathogenic (1 of 4 stars; one submission).

Conditions:
Mowat-Wilson syndrome (MOWS). Also called: Classic Mowat-Wilson Syndrome. Identifiers: Orphanet 2152, MedGen C1856113, MONDO:0009341, OMIM 235730.

Submission:

Labcorp Genetics (formerly Invitae), Labcorp
Classification: Pathogenic for Mowat-Wilson syndrome. Last evaluated: 2021-12-02. Review status: criteria provided, single submitter. Criteria: Invitae Variant Classification Sherloc (09022015). Collection method: clinical testing. Allele origin: germline.
Comment: This premature translational stop signal has been observed in individual(s) with clinical features of ZEB2-related conditions (PMID: 29159939). In at least one individual the variant was observed to be de novo. For these reasons, this variant has been classified as Pathogenic. This variant is also known as c.640G>T, Glu214*. This variant is not present in population databases (gnomAD no frequency). This sequence change creates a premature translational stop signal (p.Glu238*) in the ZEB2 gene. It is expected to result in an absent or disrupted protein product. Loss-of-function variants in ZEB2 are known to be pathogenic (PMID: 16053902).

Literature cited by the submitters: PubMed 29159939; PubMed 16053902.

NM_014795.4(ZEB2):c.712G>T (p.Glu238Ter)

Gene: ZEB2 (zinc finger E-box binding homeobox 2; minus strand). Cytogenetic location: 2q22.3.
Variant type: single nucleotide variant.
Coding change: c.712G>T on transcript NM_014795.4 (MANE Select); coding-DNA position 712, G replaced by T.
Protein change: p.Glu238Ter; replaces glutamic acid 238 with a stop codon.
Molecular consequence: nonsense.
Genome position (GRCh38, 1-based): chr2:144,404,011, C>A on the plus strand (G>T on the coding strand, the complement: ZEB2 is on the minus strand). VCF-style: chr2-144404011-C-A. GRCh37 (hg19) VCF-style: chr2-145161578-C-A.
Other names: c.640G>T, p.Glu214Ter (NM_001171653.2); short protein forms E214*, E238*.
Identifiers: ClinVar variation 1445094 (VCV001445094.6), dbSNP rs2149879206, ClinGen allele CA348714765.